The following is an entry in ClinVar:

ClinVar aggregate classification (germline): Likely benign (1 of 4 stars; one submission).

Allele frequency attached by ClinVar (database versions not stated): gnomAD exomes below 0.00001 and 0.00001; TOPMed below 0.00001.
gnomAD v4.1: 2 of 1,614,054 alleles (0.00012%); highest among the groups gnomAD compares: Admixed American, 0.0033%; no homozygotes.

Submission:

GeneDx
Classification: Likely benign. Last evaluated: 2017-08-03. Review status: criteria provided, single submitter. Criteria: GeneDx Variant Classification (06012015). Collection method: clinical testing. Allele origin: germline. Affected: yes.
Comment: This variant is considered likely benign or benign based on one or more of the following criteria: it is a conservative change, it occurs at a poorly conserved position in the protein, it is predicted to be benign by multiple in silico algorithms, and/or has population frequency not consistent with disease.

NM_002206.3(ITGA7):c.3048C>T (p.Ala1016=)

Gene: ITGA7 (integrin subunit alpha 7; minus strand). Cytogenetic location: 12q13.2.
Variant type: single nucleotide variant.
Coding change: c.3048C>T on transcript NM_002206.3 (MANE Select); coding-DNA position 3048, C replaced by T.
Protein change: p.Ala1016=; no amino-acid change (alanine 1016 retained).
Molecular consequence: synonymous variant.
Genome position (GRCh38, 1-based): chr12:55,688,211, G>A on the plus strand (C>T on the coding strand, the complement: ITGA7 is on the minus strand). VCF-style: chr12-55688211-G-A. GRCh37 (hg19) VCF-style: chr12-56081995-G-A.
Other names: c.3060C>T, p.Ala1020= (NM_001144996.2); c.2769C>T, p.Ala923= (NM_001144997.2); c.2721C>T, p.Ala907= (NM_001367993.1); c.1704C>T, p.Ala568= (NM_001367994.1); c.3030C>T, p.Ala1010= (NM_001374465.1); c.3180C>T, p.Ala1060= (NM_001410977.1); c.3042C>T, p.Ala1014= (NM_001414029.1); c.2973C>T, p.Ala991= (NM_001414030.1); and 5 more.
Identifiers: ClinVar variation 511353 (VCV000511353.1), dbSNP rs1312920904, ClinGen allele CA480143770.